The following is an entry in ClinVar:

ClinVar aggregate classification (germline): Uncertain significance (1 of 4 stars; one submission).

Allele frequency attached by ClinVar (database versions not stated): gnomAD exomes below 0.00001; gnomAD 0.00004 and 0.00006.
gnomAD v4.1: 11 of 1,614,128 alleles (0.00068%); highest among the groups gnomAD compares: African/African-American, 0.0067%; no homozygotes.

Submission:

Labcorp Genetics (formerly Invitae), Labcorp
Classification: Uncertain significance. Last evaluated: 2023-05-23. Review status: criteria provided, single submitter. Criteria: Invitae Variant Classification Sherloc (09022015). Collection method: clinical testing. Allele origin: germline.
Comment: In summary, the available evidence is currently insufficient to determine the role of this variant in disease. Therefore, it has been classified as a Variant of Uncertain Significance. Algorithms developed to predict the effect of missense changes on protein structure and function output the following: SIFT: "Not Available"; PolyPhen-2: "Benign"; Align-GVGD: "Not Available". The valine amino acid residue is found in multiple mammalian species, which suggests that this missense change does not adversely affect protein function. ClinVar contains an entry for this variant (Variation ID: 1428287). This variant has not been reported in the literature in individuals affected with REST-related conditions. This variant is present in population databases (no rsID available, gnomAD 0.02%). This sequence change replaces isoleucine, which is neutral and non-polar, with valine, which is neutral and non-polar, at codon 810 of the REST protein (p.Ile810Val).

NM_005612.5(REST):c.2428A>G (p.Ile810Val)

Gene: REST (RE1 silencing transcription factor; plus strand). Cytogenetic location: 4q12.
Variant type: single nucleotide variant.
Coding change: c.2428A>G on transcript NM_005612.5 (MANE Select); coding-DNA position 2428, A replaced by G.
Protein change: p.Ile810Val; replaces isoleucine 810 with valine.
Molecular consequence: missense variant.
Genome position (GRCh38, 1-based): chr4:56,931,286, A>G. VCF-style: chr4-56931286-A-G. GRCh37 (hg19) VCF-style: chr4-57797452-A-G.
Other names: c.2428A>G, p.Ile810Val (NM_001193508.2, NM_001363453.3); short protein forms I810V.
Identifiers: ClinVar variation 1428287 (VCV001428287.6), dbSNP rs1263966292, ClinGen allele CA357008758.